The following is an entry in ClinVar:

NM_002582.4(PARN):c.783+2T>G

Gene: PARN (poly(A)-specific ribonuclease; minus strand). Cytogenetic location: 16p13.12.
Variant type: single nucleotide variant.
Coding change: c.783+2T>G on transcript NM_002582.4 (MANE Select); the canonical splice donor site of the intron after coding-DNA position 783, T replaced by G.
Molecular consequence: splice donor variant.
Genome position (GRCh38, 1-based): chr16:14,604,144, A>C on the plus strand (T>G on the coding strand, the complement: PARN is on the minus strand). VCF-style: chr16-14604144-A-C. GRCh37 (hg19) VCF-style: chr16-14698001-A-C.
Other names: c.600+2T>G (NM_001134477.3); c.645+2T>G (NM_001242992.2).
Identifiers: ClinVar variation 4788742 (VCV004788742.1).
Genomic context (GRCh38, chr16:14,604,144, plus strand): 5'-GGAATAAATCAATATTTATGTTGCCATTTCTCACCCCCCAAGAATTAACATAGCCCAATT[A>C]CCTGTTCTTTGGCATGTTTCTGCTGCTCTCTTCTTTTGCGTTCTTCTTCATCTACTTTGC-3'

ClinVar aggregate classification (germline): Likely pathogenic (1 of 4 stars; one submission).

Conditions:
Pulmonary fibrosis and/or bone marrow failure, Telomere-related, 4. Also called: PULMONARY FIBROSIS AND/OR BONE MARROW FAILURE SYNDROME, TELOMERE-RELATED, 4. Identifiers: Orphanet 2032, MedGen C4225347, MONDO:0014612, OMIM 616371.
Dyskeratosis congenita, autosomal recessive 6 (DKCB6). Identifiers: MedGen C4225356, MONDO:0014600, OMIM 616353.

Submission:

Labcorp Genetics (formerly Invitae), Labcorp
Classification: Likely pathogenic for Dyskeratosis congenita, autosomal recessive 6; Pulmonary fibrosis and/or bone marrow failure, Telomere-related, 4. Last evaluated: 2025-12-09. Review status: criteria provided, single submitter. Criteria: Invitae Variant Classification Sherloc (09022015). Collection method: clinical testing. Allele origin: germline.
Comment: This sequence change affects a donor splice site in intron 11 of the PARN gene. It is expected to disrupt RNA splicing. Variants that disrupt the donor or acceptor splice site typically lead to a loss of protein function (PMID: 16199547), and loss-of-function variants in PARN are known to be pathogenic (PMID: 9736620, 25848748, 26810774). This variant is not present in population databases (gnomAD no frequency). This variant has not been reported in the literature in individuals affected with PARN-related conditions. Algorithms developed to predict the effect of sequence changes on RNA splicing suggest that this variant may disrupt the consensus splice site. In summary, the currently available evidence indicates that the variant is pathogenic, but additional data are needed to prove that conclusively. Therefore, this variant has been classified as Likely Pathogenic.

Literature cited by the submitters: PubMed 16199547; PubMed 9736620; PubMed 25848748; PubMed 26810774.